The following is an entry in ClinVar:

ClinVar aggregate classification (germline): conflicting data from submitters (0 of 4 stars; one submission).

Submission:

ISCA site 1
Classification: conflicting data from submitters. Last evaluated: 2012-05-03. Review status: no assertion criteria provided. Collection method: clinical testing. Allele origin: maternal. Affected: yes. Observed: 3 variant alleles. Clinical features observed: Developmental delay AND/OR other significant developmental or morphological phenotypes, Autistic behavior (HP:0000729).
Comment: Uncertain significance(2), Likely benign (1)

Copy number variation identified through the course of routine clinical cytogenomic testing in postnatal populations, with clinical assertions as classified by the original submitter. For data from the original published study, Kaminsky, et al. 2011 (PubMed 21844811), please see nstd101.

GRCh38/hg38 7p22.1(chr7:5089286-5331174)x1

Genes: SLC29A4 (solute carrier family 29 member 4; plus strand), TNRC18 (trinucleotide repeat containing 18; minus strand), WIPI2 (WD repeat domain, phosphoinositide interacting 2; plus strand), LOC121144502 (Sharpr-MPRA regulatory region 13937; plus strand), LOC123924895 (Sharpr-MPRA regulatory region 9837; plus strand) and 14 more. Cytogenetic location: 7p22.1.
Variant type: copy number loss.
Change: copy number 1 (one copy instead of two) of chr7:5,089,286-5,331,174 (241.9 kb, GRCh38 coordinates, 1-based), cytogenetic band 7p22.1.
Identifiers: ClinVar variation 150149 (VCV000150149.2).